The following is an entry in ClinVar:

NM_001372044.2(SHANK3):c.3099G>A (p.Leu1033=)

Gene: SHANK3 (SH3 and multiple ankyrin repeat domains 3; plus strand). Cytogenetic location: 22q13.33.
Variant type: single nucleotide variant.
Coding change: c.3099G>A on transcript NM_001372044.2 (MANE Select); coding-DNA position 3099, G replaced by A.
Protein change: p.Leu1033=; no amino-acid change (leucine 1033 retained).
Molecular consequence: synonymous variant.
Genome position (GRCh38, 1-based): chr22:50,720,707, G>A. VCF-style: chr22-50720707-G-A. GRCh37 (hg19) VCF-style: chr22-51159135-G-A.
Identifiers: ClinVar variation 3898537 (VCV003898537.7).

ClinVar aggregate classification (germline): Likely benign (1 of 4 stars; one submission).

Submission:

CeGaT Center for Human Genetics Tuebingen
Classification: Likely benign. Last evaluated: 2025-04-01. Review status: criteria provided, single submitter. Criteria: CeGaT Center For Human Genetics Tuebingen Variant Classification Criteria Version 2. Collection method: clinical testing. Allele origin: germline. Affected: yes. Observed: 1 variant allele.
Comment: SHANK3: BP4, BP7